The following is an entry in ClinVar:

ClinVar aggregate classification (germline): Uncertain significance (1 of 4 stars; one submission).

gnomAD v4.1: 1 of 1,613,498 alleles (0.000062%); highest among the groups gnomAD compares: Non-Finnish European, 0.000085%; no homozygotes.

Submission:

GeneDx
Classification: Uncertain significance. Last evaluated: 2025-10-02. Review status: criteria provided, single submitter. Criteria: GeneDx Variant Classification Process June 2021. Collection method: clinical testing. Allele origin: germline.
Comment: Not observed at significant frequency in large population cohorts (gnomAD); Missense variant in a gene in which most reported pathogenic variants are truncating/loss of function; Has not been previously published as pathogenic or benign to our knowledge

NM_001267550.2(TTN):c.81557A>G (p.Asn27186Ser)

Genes: TTN-AS1 (TTN antisense RNA 1; plus strand), TTN (titin; minus strand). Cytogenetic location: 2q31.2.
Variant type: single nucleotide variant.
Coding change: c.81557A>G on transcript NM_001267550.2 (MANE Select); coding-DNA position 81557, A replaced by G.
Protein change: p.Asn27186Ser; replaces asparagine 27186 with serine.
Molecular consequence: missense variant.
Genome position (GRCh38, 1-based): chr2:178,564,575, T>C on the plus strand (A>G on the coding strand, the complement: TTN is on the minus strand). VCF-style: chr2-178564575-T-C. GRCh37 (hg19) VCF-style: chr2-179429302-T-C.
Other names: c.76634A>G, p.Asn25545Ser (NM_001256850.1); c.54362A>G, p.Asn18121Ser (NM_003319.4); c.73853A>G, p.Asn24618Ser (NM_133378.4); c.54737A>G, p.Asn18246Ser (NM_133432.3); c.54938A>G, p.Asn18313Ser (NM_133437.4); short protein forms N18121S, N18246S, N18313S, N24618S, N25545S, N27186S.
Identifiers: ClinVar variation 3342625 (VCV003342625.2).
Genomic context (GRCh38, chr2:178,564,575, plus strand): 5'-ATATAACCTGTTATTTTGCTACCACCATCATAGGCAGGTTTCTTCCATTTCAGTGTGACA[T>C]TGTTTCTTGTAATAACAATGGCTTCAGGGCGACCAGGTGGGTCACATGGATCACGAGCAA-3'
Protein context (NP_001254479.2, residues 27176-27196): RPEAIVITRN[Asn27186Ser]VTLKWKKPAY